The following is an entry in ClinVar:

NM_000130.5(F5):c.5893-7A>G

Gene: F5 (coagulation factor V; minus strand). Cytogenetic location: 1q24.2.
Variant type: single nucleotide variant.
Coding change: c.5893-7A>G on transcript NM_000130.5 (MANE Select); 7 bases into the intron before coding-DNA position 5893, A replaced by G.
Molecular consequence: intron variant.
Genome position (GRCh38, 1-based): chr1:169,523,359, T>C on the plus strand (A>G on the coding strand, the complement: F5 is on the minus strand). VCF-style: chr1-169523359-T-C. GRCh37 (hg19) VCF-style: chr1-169492597-T-C.
Other names: p.?.
Identifiers: ClinVar variation 4683772 (VCV004683772.1).
Genomic context (GRCh38, chr1:169,523,359, plus strand): 5'-TTTGGCACCTTGGGTCTGGATCCCTGTGATTATGACTTCCTTTTGCATGTCCACCTGCAA[T>C]ATAGGAAAGCCAGTAAACAGAACTGTCCTTGTCAACAAGTCACACACTGCCTAAATTCAT-3'

ClinVar aggregate classification (germline): Likely benign (1 of 4 stars; one submission).

gnomAD v4.1: 4 of 1,613,936 alleles (0.00025%); highest among the groups gnomAD compares: East Asian, 0.0022%; no homozygotes.

Submission:

Mayo Clinic Laboratories, Mayo Clinic
Classification: Likely benign. Last evaluated: 2025-09-10. Review status: criteria provided, single submitter. Criteria: ACMG Guidelines, 2015. Collection method: clinical testing. Allele origin: germline. Observed: 1 variant allele.
Comment: BP4, BP7, PM2_supporting